The following is an entry in ClinVar:

NM_004006.3(DMD):c.6652A>G (p.Arg2218Gly)

Gene: DMD (dystrophin; minus strand). Cytogenetic location: Xp21.1.
Variant type: single nucleotide variant.
Coding change: c.6652A>G on transcript NM_004006.3 (MANE Select); coding-DNA position 6652, A replaced by G.
Protein change: p.Arg2218Gly; replaces arginine 2218 with glycine.
Molecular consequence: missense variant. On other transcripts: 5 prime UTR variant (5).
Genome position (GRCh38, 1-based): chrX:31,932,190, T>C on the plus strand (A>G on the coding strand, the complement: DMD is on the minus strand). VCF-style: chrX-31932190-T-C. GRCh37 (hg19) VCF-style: chrX-31950307-T-C.
Other names: c.6628A>G, p.Arg2210Gly (NM_000109.4); c.6640A>G, p.Arg2214Gly (NM_004009.3); c.6283A>G, p.Arg2095Gly (NM_004010.3); c.2629A>G, p.Arg877Gly (NM_004011.4); c.2620A>G, p.Arg874Gly (NM_004012.4); c.-729A>G (NM_004013.3, NM_004020.4, NM_004021.3 and 2 more transcripts); short protein forms R2095G, R2210G, R2214G, R2218G, R874G, R877G.
Identifiers: ClinVar variation 996257 (VCV000996257.1), dbSNP rs2094863769, ClinGen allele CA412658346.

ClinVar aggregate classification (germline): Uncertain significance (1 of 4 stars; one submission).

Submission:

Women's Health and Genetics/Laboratory Corporation of America, LabCorp
Classification: Uncertain significance. Last evaluated: 2021-01-07. Review status: criteria provided, single submitter. Criteria: LabCorp Variant Classification Summary - May 2015. Collection method: clinical testing. Allele origin: germline.
Comment: Variant summary: DMD c.6652A>G (p.Arg2218Gly) results in a non-conservative amino acid change located in the Central rod domain: Repeat 18 (DOVE) of the encoded protein sequence. Three of five in-silico tools predict a benign effect of the variant on protein function. The variant was absent in 181997 control chromosomes (gnomAD). The available data on variant occurrences in the general population are insufficient to allow any conclusion about variant significance. To our knowledge, no occurrence of c.6652A>G in individuals affected with Dystrophinopathies and no experimental evidence demonstrating its impact on protein function have been reported. No clinical diagnostic laboratories have submitted clinical-significance assessments for this variant to ClinVar after 2014. Based on the evidence outlined above, the variant was classified as uncertain significance.